The following is an entry in ClinVar:

NM_014249.4(NR2E3):c.693C>T (p.Ala231=)

Gene: NR2E3 (nuclear receptor subfamily 2 group E member 3; plus strand). Cytogenetic location: 15q23.
Variant type: single nucleotide variant.
Coding change: c.693C>T on transcript NM_014249.4 (MANE Select); coding-DNA position 693, C replaced by T.
Protein change: p.Ala231=; no amino-acid change (alanine 231 retained).
Molecular consequence: synonymous variant.
Genome position (GRCh38, 1-based): chr15:71,812,457, C>T. VCF-style: chr15-71812457-C-T. GRCh37 (hg19) VCF-style: chr15-72104797-C-T.
Other names: c.693C>T (NM_014249.3); c.693C>T, p.Ala231= (NM_016346.4).
Identifiers: ClinVar variation 1141958 (VCV001141958.10), dbSNP rs376605943, ClinGen allele CA272575372.

ClinVar aggregate classification (germline): Likely benign. Review status: criteria provided, multiple submitters, no conflicts (2 of 4 stars). 2 submissions from 2 submitters: Likely benign (2). Last evaluated 2025-09-19.

Conditions:
NR2E3-related disorder. Also called: NR2E3-related condition; NR2E3-related disorders. Identifiers: MedGen CN239387.

Allele frequency attached by ClinVar (database versions not stated): gnomAD 0.00001; gnomAD exomes 0.00001; TOPMed 0.00003; ESP Exome Variant Server 0.00008.

Submissions (2):

Labcorp Genetics (formerly Invitae), Labcorp
Classification: Likely benign. Last evaluated: 2025-09-19. Review status: criteria provided, single submitter. Criteria: Invitae Variant Classification Sherloc (09022015). Collection method: clinical testing. Allele origin: germline.

PreventionGenetics, part of Exact Sciences
Classification: Likely benign for NR2E3-related condition. Last evaluated: 2025-04-03. Review status: criteria provided, single submitter. Criteria: ACMG Guidelines, 2015. Collection method: clinical testing. Allele origin: germline.
Comment: This variant is classified as likely benign based on ACMG/AMP sequence variant interpretation guidelines (Richards et al. 2015 PMID: 25741868, with internal and published modifications).